The following is an entry in ClinVar:

NM_001042545.2(LTBP4):c.4400C>T (p.Ala1467Val)

Gene: LTBP4 (latent transforming growth factor beta binding protein 4; plus strand). Cytogenetic location: 19q13.2.
Variant type: single nucleotide variant.
Coding change: c.4400C>T on transcript NM_001042545.2 (MANE Select); coding-DNA position 4400, C replaced by T.
Protein change: p.Ala1467Val; replaces alanine 1467 with valine.
Molecular consequence: missense variant.
Genome position (GRCh38, 1-based): chr19:40,627,738, C>T. VCF-style: chr19-40627738-C-T. GRCh37 (hg19) VCF-style: chr19-41133643-C-T.
Other names: c.4601C>T, p.Ala1534Val (NM_001042544.1); c.4490C>T, p.Ala1497Val (NM_003573.2); short protein forms A1467V, A1497V, A1534V.
Identifiers: ClinVar variation 510459 (VCV000510459.14), dbSNP rs148715056, ClinGen allele CA9449311.

ClinVar aggregate classification (germline): Benign/Likely benign. Review status: criteria provided, multiple submitters, no conflicts (2 of 4 stars). 4 submissions from 4 submitters: Benign (3); Likely benign (1). Last evaluated 2026-02-04.

Allele frequency attached by ClinVar (database versions not stated): gnomAD exomes 0.00151; ExAC 0.00340; 1000 Genomes Project 0.00619; gnomAD 0.00674 and 0.00713; TOPMed 0.00699; ESP Exome Variant Server 0.00675; 1000 Genomes Project 30x 0.00687.
gnomAD v4.1: 1,966 of 1,596,872 alleles (0.12%); highest among the groups gnomAD compares: African/African-American, 2.4%; 21 homozygotes.

Submissions (8):

Labcorp Genetics (formerly Invitae), Labcorp
Classification: Benign. Last evaluated: 2026-02-04. Review status: criteria provided, single submitter. Criteria: Invitae Variant Classification Sherloc (09022015). Collection method: clinical testing. Allele origin: germline.

Blueprint Genetics
Classification: Likely benign. Last evaluated: 2024-11-25. Review status: criteria provided, single submitter. Criteria: ACMG Guidelines, 2015. Collection method: clinical testing. Allele origin: germline.

GeneDx
Classification: Benign. Last evaluated: 2017-07-27. Review status: criteria provided, single submitter. Criteria: GeneDx Variant Classification (06012015). Collection method: clinical testing. Allele origin: germline. Affected: yes.
Comment: This variant is considered likely benign or benign based on one or more of the following criteria: it is a conservative change, it occurs at a poorly conserved position in the protein, it is predicted to be benign by multiple in silico algorithms, and/or has population frequency not consistent with disease.

Breakthrough Genomics
Classification: Benign. Review status: criteria provided, single submitter. Criteria: ACMG Guidelines, 2015. Collection method: not provided. Allele origin: germline. Inheritance: Autosomal recessive inheritance. Affected: yes.

Dr. Peter K. Rogan Lab, Western University
No classification provided (evidence only). Condition: Malignant tumor of urinary bladder. Review status: no classification provided. Collection method: in vitro. Allele origin: not applicable. Functional consequence: retained intron. Not counted in ClinVar's aggregate classification.

Dr. Peter K. Rogan Lab, Western University
No classification provided (evidence only). Condition: Lung cancer. Review status: no classification provided. Collection method: in vitro. Allele origin: not applicable. Functional consequence: retained intron. Not counted in ClinVar's aggregate classification.

Dr. Peter K. Rogan Lab, Western University
No classification provided (evidence only). Condition: Ovarian serous cystadenocarcinoma. Review status: no classification provided. Collection method: in vitro. Allele origin: not applicable. Functional consequence: retained intron. Not counted in ClinVar's aggregate classification.

Dr. Peter K. Rogan Lab, Western University
No classification provided (evidence only). Condition: Malignant tumor of esophagus. Review status: no classification provided. Collection method: in vitro. Allele origin: not applicable. Functional consequence: retained intron. Not counted in ClinVar's aggregate classification.